The following is an entry in ClinVar:

NM_000492.4(CFTR):c.1679+247C>T

Genes: CFTR (CF transmembrane conductance regulator; plus strand), LOC111674475 (CFTR intron 11 enhancer; plus strand). Cytogenetic location: 7q31.2.
Variant type: single nucleotide variant.
Coding change: c.1679+247C>T on transcript NM_000492.4 (MANE Select); 247 bases into the intron after coding-DNA position 1679, C replaced by T.
Molecular consequence: intron variant.
Genome position (GRCh38, 1-based): chr7:117,588,080, C>T. VCF-style: chr7-117588080-C-T. GRCh37 (hg19) VCF-style: chr7-117228134-C-T.
Identifiers: ClinVar variation 4280058 (VCV004280058.1).

ClinVar aggregate classification (germline): Likely benign (1 of 4 stars; one submission).

Conditions:
Cystic fibrosis (CF). Also called: MUCOVISCIDOSIS. Identifiers: Orphanet 586, MedGen C0010674, MONDO:0009061, OMIM 219700. Disease mechanism: loss of function.

gnomAD v4.1: 9 of 151,894 alleles (0.0059%); highest among the groups gnomAD compares: Non-Finnish European, 0.01%; no homozygotes.

Submission:

Johns Hopkins Genomics, Johns Hopkins University
Classification: Likely benign for Cystic fibrosis. Last evaluated: 2024-05-08. Review status: criteria provided, single submitter. Criteria: ACMG Guidelines, 2015. Collection method: clinical testing. Allele origin: germline.
Comment: PM2, PP4, BP4, BP7